The following is an entry in ClinVar:

ClinVar aggregate classification (germline): Likely benign. Review status: criteria provided, multiple submitters, no conflicts (2 of 4 stars). 2 submissions from 2 submitters: Likely benign (2). Last evaluated 2025-03-01.

Conditions:
FMN2-related disorder. Also called: FMN2-related condition.

Allele frequency attached by ClinVar (database versions not stated): gnomAD 0.00222.

Submissions (2):

CeGaT Center for Human Genetics Tuebingen
Classification: Likely benign. Last evaluated: 2025-03-01. Review status: criteria provided, single submitter. Criteria: CeGaT Center For Human Genetics Tuebingen Variant Classification Criteria Version 2. Collection method: clinical testing. Allele origin: germline. Affected: yes. Observed: 1 variant allele.
Comment: FMN2: BP4, BP7

PreventionGenetics, part of Exact Sciences
Classification: Likely benign for FMN2-related condition. Last evaluated: 2020-04-01. Review status: criteria provided, single submitter. Criteria: ACMG Guidelines, 2015. Collection method: clinical testing. Allele origin: germline.
Comment: This variant is classified as likely benign based on ACMG/AMP sequence variant interpretation guidelines (Richards et al. 2015 PMID: 25741868, with internal and published modifications).

NM_020066.5(FMN2):c.2907T>A (p.Pro969=)

Gene: FMN2 (formin 2; plus strand). Cytogenetic location: 1q43.
Variant type: single nucleotide variant.
Coding change: c.2907T>A on transcript NM_020066.5 (MANE Select); coding-DNA position 2907, T replaced by A.
Protein change: p.Pro969=; no amino-acid change (proline 969 retained).
Molecular consequence: synonymous variant. On other transcripts: intron variant (1).
Genome position (GRCh38, 1-based): chr1:240,207,719, T>A. VCF-style: chr1-240207719-T-A. GRCh37 (hg19) VCF-style: chr1-240371019-T-A.
Other names: c.2919T>A, p.Pro973= (NM_001305424.2); c.1986+19457T>A (NM_001348094.2).
Identifiers: ClinVar variation 3060923 (VCV003060923.8), dbSNP rs202054320, ClinGen allele CA1476874.